The following is an entry in ClinVar:

ClinVar aggregate classification (germline): Uncertain significance (1 of 4 stars; one submission).

Conditions:
CRYM-related disorder. Also called: CRYM-related condition.

gnomAD v4.1: 27 of 1,553,104 alleles (0.0017%); highest among the groups gnomAD compares: African/African-American, 0.0027%; no homozygotes.

Submission:

PreventionGenetics, part of Exact Sciences
Classification: Uncertain significance for CRYM-related condition. Last evaluated: 2026-03-25. Review status: criteria provided, single submitter. Criteria: ACMG Guidelines, 2015. Collection method: clinical testing. Allele origin: germline.
Comment: The CRYM c.73C>T variant is predicted to result in the amino acid substitution p.Pro25Ser. To our knowledge, this variant has not been reported in the literature. This variant is reported in 0.0064% of alleles in individuals of European (Non-Finnish) descent in gnomAD. At this time, the clinical significance of this variant is uncertain due to the absence of conclusive functional and genetic evidence.

NM_001376256.1(CRYM):c.73C>T (p.Pro25Ser)

Genes: CRYM (crystallin mu; minus strand), LOC130058620 (ATAC-STARR-seq lymphoblastoid active region 10553; plus strand). Cytogenetic location: 16p12.2.
Variant type: single nucleotide variant.
Coding change: c.73C>T on transcript NM_001376256.1 (MANE Select); coding-DNA position 73, C replaced by T.
Protein change: p.Pro25Ser; replaces proline 25 with serine.
Molecular consequence: missense variant.
Genome position (GRCh38, 1-based): chr16:21,278,179, G>A on the plus strand (C>T on the coding strand, the complement: CRYM is on the minus strand). VCF-style: chr16-21278179-G-A. GRCh37 (hg19) VCF-style: chr16-21289500-G-A.
Other names: c.73C>T, p.Pro25Ser (NM_001888.5); short protein forms P25S.
Identifiers: ClinVar variation 4978965 (VCV004978965.1).